The following is an entry in ClinVar:

ClinVar aggregate classification (germline): Pathogenic (1 of 4 stars; one submission).

Conditions:
Autosomal recessive spinocerebellar ataxia 10. Identifiers: Orphanet 284289, MedGen C3150998, MONDO:0013392, OMIM 613728.

Submission:

Myriad Genetics, Inc.
Classification: Pathogenic for Autosomal recessive spinocerebellar ataxia 10. Last evaluated: 2026-06-28. Review status: criteria provided, single submitter. Criteria: Myriad Autosomal Dominant, Autosomal Recessive and X-Linked Classification Criteria (2023). Collection method: clinical testing. Allele origin: unknown.
Comment: NM_018075.3(ANO10):c.1171A>T(R391*) is expected to be pathogenic in the context of spinocerebellar ataxia, ANO10-related. This variant is predicted to lead to an abnormal or absent protein product due to the creation of a premature termination codon in ANO10, a gene where loss-of-function variants are known to be pathogenic. Please note: this variant was assessed in the context of healthy population screening.

NM_018075.5(ANO10):c.1171A>T (p.Arg391Ter)

Gene: ANO10 (anoctamin 10; minus strand). Cytogenetic location: 3p22.1.
Variant type: single nucleotide variant.
Coding change: c.1171A>T on transcript NM_018075.5 (MANE Select); coding-DNA position 1171, A replaced by T.
Protein change: p.Arg391Ter; replaces arginine 391 with a stop codon.
Molecular consequence: nonsense.
Genome position (GRCh38, 1-based): chr3:43,574,856, T>A on the plus strand (A>T on the coding strand, the complement: ANO10 is on the minus strand). VCF-style: chr3-43574856-T-A. GRCh37 (hg19) VCF-style: chr3-43616348-T-A.
Other names: c.1171A>T, p.Arg391Ter (NM_001204831.3, NM_001346463.2, NM_001346464.2 and 3 more transcripts); c.973A>T, p.Arg325Ter (NM_001204832.3, NM_001346466.2, NM_001346469.2); c.838A>T, p.Arg280Ter (NM_001204833.3); c.601A>T, p.Arg201Ter (NM_001204834.3); short protein forms R201*, R280*, R325*, R391*.
Identifiers: ClinVar variation 5016082 (VCV005016082.1).